The following is an entry in ClinVar:

NM_000132.4(F8):c.5954del (p.Arg1985fs)

Gene: F8 (coagulation factor VIII; minus strand). Cytogenetic location: Xq28.
Variant type: Deletion.
Coding change: c.5954del on transcript NM_000132.4 (MANE Select); coding-DNA position 5954, one base deleted (G; older notation c.5954delG).
Protein change: p.Arg1985fs; shifts the reading frame from arginine 1985.
Molecular consequence: frameshift variant.
Genome position (GRCh38, 1-based): chrX:154,903,950, C deleted on the plus strand (G on the coding strand, the reverse complement: F8 is on the minus strand). VCF-style (leftmost placement, unchanged base first): chrX-154903949-TC-T. GRCh37 (hg19) VCF-style: chrX-154132224-TC-T.
Other names: c.5954delG (NM_000132.3); short protein forms R1985fs.
Identifiers: ClinVar variation 618105 (VCV000618105.8), dbSNP rs1215569190, ClinGen allele CA873340639.

ClinVar aggregate classification (germline): Pathogenic (1 of 4 stars; one submission).

Allele frequency attached by ClinVar (database versions not stated): TOPMed 0.00001 and 0.00002.

Submission:

ARUP Laboratories, Molecular Genetics and Genomics, ARUP Laboratories
Classification: Pathogenic. Last evaluated: 2018-01-11. Review status: criteria provided, single submitter. Criteria: ARUP Molecular Germline Variant Investigation Process. Collection method: clinical testing. Allele origin: germline.
Comment: The F8 c.5954delG; p.Arg1985fs variant is not reported in the literature or gene-specific variant databases. It is also absent from general population databases (1000 Genomes Project, Exome Variant Server, Genome Aggregation Database), indicating it is not a common polymorphism. This variant deletes one nucleotide resulting in a frameshift in exon 18 and is predicted to result in a truncated protein or mRNA that is subject to nonsense mediated decay. Two other variants (c.5953delC and c.5954_5985del32bp) that also result in a frameshift at Arg1985 codon have been identified in patients with severe hemophilia and are reported on the Factor VIII Gene database. Based on the above information, the c.5954delG variant is considered pathogenic. References: Factor VIII database: Ahmed A et al. Identification of 32 novel mutations in the factor VIII gene in Indian patients with hemophilia A. Haematologica. 2005;90(2):283-4. Hwang S et al. Profiling of factor VIII mutations in Korean hemophilia A. Haemophilia 2009; 15: 1311-1317.